The following is an entry in ClinVar:

ClinVar aggregate classification (germline): Uncertain significance (1 of 4 stars; one submission).

Submission:

GeneDx
Classification: Uncertain significance. Last evaluated: 2025-01-23. Review status: criteria provided, single submitter. Criteria: GeneDx Variant Classification Process June 2021. Collection method: clinical testing. Allele origin: germline. Affected: yes.
Comment: Not observed at significant frequency in large population cohorts (gnomAD); In silico analysis supports a deleterious effect on protein structure/function; Has not been previously published as pathogenic or benign to our knowledge

NM_007118.4(TRIO):c.2464_2465delinsTG (p.Thr822Trp)

Gene: TRIO (trio Rho guanine nucleotide exchange factor; plus strand). Cytogenetic location: 5p15.2.
Variant type: Indel.
Coding change: c.2464_2465delinsTG on transcript NM_007118.4 (MANE Select); coding-DNA positions 2464 to 2465, AC replaced by TG.
Protein change: p.Thr822Trp; replaces threonine 822 with tryptophan.
Molecular consequence: missense variant. On other transcripts: non-coding transcript variant (1).
Genome position (GRCh38, 1-based): chr5:14,363,804-14,363,805, AC replaced by TG. VCF-style: chr5-14363804-AC-TG. GRCh37 (hg19) VCF-style: chr5-14363913-AC-TG.
Other names: short protein forms T822W.
Identifiers: ClinVar variation 4071846 (VCV004071846.1).